The following is an entry in ClinVar:

NM_181783.4(TMTC3):c.625-9_625-5del

Gene: TMTC3 (transmembrane O-mannosyltransferase targeting cadherins 3; plus strand). Cytogenetic location: 12q21.32.
Variant type: Microsatellite.
Coding change: c.625-9_625-5del on transcript NM_181783.4 (MANE Select); 9 bases into the intron before coding-DNA position 625 through 5 bases into the intron before coding-DNA position 625, 5 bases deleted (CTTTT; older notation c.625-9_625-5delCTTTT).
Molecular consequence: intron variant.
Genome position (GRCh38, 1-based): chr12:88,160,670-88,160,674, CTTTT deleted; deleting any 5 consecutive bases within chr12:88,160,662-88,160,674 gives the same sequence; the c. name uses the placement nearest the transcript's 3' end. VCF-style (leftmost placement, unchanged base first): chr12-88160661-ATTTCT-A. GRCh37 (hg19) VCF-style: chr12-88554438-ATTTCT-A.
Other names: c.406-9_406-5del (NM_001366579.1); c.445-9_445-5del (NM_001366574.1); c.358-9_358-5del (NM_001366580.1); c.-69-9_-69-5del (NM_001366583.1).
Identifiers: ClinVar variation 1895863 (VCV001895863.5), dbSNP rs778291943, ClinGen allele CA6713107.

ClinVar aggregate classification (germline): Uncertain significance (1 of 4 stars; one submission).

Submission:

Labcorp Genetics (formerly Invitae), Labcorp
Classification: Uncertain significance. Last evaluated: 2021-11-24. Review status: criteria provided, single submitter. Criteria: Invitae Variant Classification Sherloc (09022015). Collection method: clinical testing. Allele origin: germline.
Comment: In summary, the available evidence is currently insufficient to determine the role of this variant in disease. Therefore, it has been classified as a Variant of Uncertain Significance. Algorithms developed to predict the effect of sequence changes on RNA splicing suggest that this variant may disrupt the consensus splice site. This variant has not been reported in the literature in individuals affected with TMTC3-related conditions. This variant is present in population databases (rs778291943, gnomAD 0.004%). This sequence change falls in intron 5 of the TMTC3 gene. It does not directly change the encoded amino acid sequence of the TMTC3 protein.